The following is an entry in ClinVar:

ClinVar aggregate classification (germline): Uncertain significance (1 of 4 stars; one submission).

gnomAD v4.1: 2 of 1,612,846 alleles (0.00012%); highest among the groups gnomAD compares: Non-Finnish European, 0.00017%; no homozygotes.

Submission:

Labcorp Genetics (formerly Invitae), Labcorp
Classification: Uncertain significance. Last evaluated: 2024-11-18. Review status: criteria provided, single submitter. Criteria: Invitae Variant Classification Sherloc (09022015). Collection method: clinical testing. Allele origin: germline.
Comment: This sequence change falls in intron 12 of the ACO2 gene. It does not directly change the encoded amino acid sequence of the ACO2 protein. It affects a nucleotide within the consensus splice site. This variant is not present in population databases (gnomAD no frequency). This variant has not been reported in the literature in individuals affected with ACO2-related conditions. Variants that disrupt the consensus splice site are a relatively common cause of aberrant splicing (PMID: 17576681, 9536098). Algorithms developed to predict the effect of sequence changes on RNA splicing suggest that this variant is not likely to affect RNA splicing. In summary, the available evidence is currently insufficient to determine the role of this variant in disease. Therefore, it has been classified as a Variant of Uncertain Significance.

Literature cited by the submitters: PubMed 17576681; PubMed 9536098.

NM_001098.3(ACO2):c.1482+6A>G

Gene: ACO2 (aconitase 2; plus strand). Cytogenetic location: 22q13.2.
Variant type: single nucleotide variant.
Coding change: c.1482+6A>G on transcript NM_001098.3 (MANE Select); 6 bases into the intron after coding-DNA position 1482, A replaced by G.
Molecular consequence: intron variant.
Genome position (GRCh38, 1-based): chr22:41,523,947, A>G. VCF-style: chr22-41523947-A-G. GRCh37 (hg19) VCF-style: chr22-41919951-A-G.
Identifiers: ClinVar variation 3683688 (VCV003683688.2).